The following is an entry in ClinVar:

NM_003640.5(ELP1):c.505C>T (p.Gln169Ter)

Gene: ELP1 (elongator acetyltransferase complex subunit 1; minus strand). Cytogenetic location: 9q31.3.
Variant type: single nucleotide variant.
Coding change: c.505C>T on transcript NM_003640.5 (MANE Select); coding-DNA position 505, C replaced by T.
Protein change: p.Gln169Ter; replaces glutamine 169 with a stop codon.
Molecular consequence: nonsense. On other transcripts: 5 prime UTR variant (1).
Genome position (GRCh38, 1-based): chr9:108,922,889, G>A on the plus strand (C>T on the coding strand, the complement: ELP1 is on the minus strand). VCF-style: chr9-108922889-G-A. GRCh37 (hg19) VCF-style: chr9-111685169-G-A.
Other names: c.505C>T (NM_003640.4); c.163C>T, p.Gln55Ter (NM_001318360.2); c.-355C>T (NM_001330749.2); short protein forms Q169*, Q55*.
Identifiers: ClinVar variation 3015699 (VCV003015699.5), dbSNP rs755319650, ClinGen allele CA374389375.

ClinVar aggregate classification (germline): Pathogenic/Likely pathogenic. Review status: criteria provided, multiple submitters, no conflicts (2 of 4 stars). 3 submissions from 3 submitters: Pathogenic (1); Likely pathogenic (2). Last evaluated 2025-02-26.

Conditions:
Medulloblastoma (MDB). Also called: MEDULLOBLASTOMA PREDISPOSITION SYNDROME; Medulloblastoma, somatic. Identifiers: Orphanet 616, MedGen C0025149, MeSH D008527, MONDO:0007959, OMIM 155255, HP:0002885.
Familial dysautonomia. Also called: FD; HSAN III. Identifiers: Orphanet 1764, MedGen C0013364, MONDO:0009131, OMIM 223900. Disease mechanism: loss of function.

Allele frequency attached by ClinVar (database versions not stated): TOPMed below 0.00001.

Submissions (3):

Labcorp Genetics (formerly Invitae), Labcorp
Classification: Pathogenic. Last evaluated: 2025-02-26. Review status: criteria provided, single submitter. Criteria: Invitae Variant Classification Sherloc (09022015). Collection method: clinical testing. Allele origin: germline.
Comment: This sequence change creates a premature translational stop signal (p.Gln169*) in the ELP1 gene. It is expected to result in an absent or disrupted protein product. Loss-of-function variants in ELP1 are known to be pathogenic (PMID: 18303054, 24173031). This variant is not present in population databases (gnomAD no frequency). This variant has not been reported in the literature in individuals affected with ELP1-related conditions. ClinVar contains an entry for this variant (Variation ID: 3015699). Algorithms developed to predict the effect of sequence changes on RNA splicing suggest that this variant may disrupt the consensus splice site. For these reasons, this variant has been classified as Pathogenic.

Natera, Inc.
Classification: Likely pathogenic for Familial dysautonomia. Last evaluated: 2025-01-21. Review status: criteria provided, single submitter. Criteria: Natera Variant Classification Schema (03/2026). Collection method: clinical testing. Allele origin: germline.
Comment: The c.505C>T variant in ELP1 is a nonsense variant predicted to introduce a stop codon at amino acid 169. This variant is expected to result in nonsense mediated decay, truncation, or a dysfunctional protein product. This variant is rare in the general population with a frequency below the threshold expected for the associated phenotype(s). Given the available evidence, this variant is classified as Likely Pathogenic.

Fulgent Genetics
Classification: Likely pathogenic for Medulloblastoma; Familial dysautonomia. Last evaluated: 2024-04-25. Review status: criteria provided, single submitter. Criteria: ACMG Guidelines, 2015. Collection method: clinical testing. Allele origin: germline.

Literature cited by the submitters: PubMed 18303054 (cited by Labcorp Genetics (formerly Invitae), Labcorp); PubMed 24173031 (cited by Labcorp Genetics (formerly Invitae), Labcorp).